The following is an entry in ClinVar:

ClinVar aggregate classification (germline): Uncertain significance (1 of 4 stars; one submission).

Conditions:
Ataxia-telangiectasia syndrome (AT). Also called: Ataxia-telangiectasia, complementation group D; AT, COMPLEMENTATION GROUP C; ATAXIA-TELANGIECTASIA, COMPLEMENTATION GROUP A; ATAXIA-TELANGIECTASIA, FRESNO VARIANT; Ataxia-telangiectasia, complementation group E; LOUIS-BAR SYNDROME. Identifiers: Orphanet 100, MedGen C0004135, MONDO:0008840, OMIM 208900.

Submission:

Labcorp Genetics (formerly Invitae), Labcorp
Classification: Uncertain significance for Ataxia-telangiectasia syndrome. Last evaluated: 2022-08-16. Review status: criteria provided, single submitter. Criteria: Invitae Variant Classification Sherloc (09022015). Collection method: clinical testing. Allele origin: germline.
Comment: This sequence change falls in intron 59 of the ATM gene. It does not directly change the encoded amino acid sequence of the ATM protein. This variant is not present in population databases (gnomAD no frequency). In summary, the available evidence is currently insufficient to determine the role of this variant in disease. Therefore, it has been classified as a Variant of Uncertain Significance. Studies have shown that this variant is associated with altered splicing resulting in unknown protein product impact (Invitae). This variant has not been reported in the literature in individuals affected with ATM-related conditions.

NM_000051.4(ATM):c.8672-11C>A

Genes: ATM (ATM serine/threonine kinase; plus strand), C11orf65 (chromosome 11 open reading frame 65; minus strand). Cytogenetic location: 11q22.3.
Variant type: single nucleotide variant.
Coding change: c.8672-11C>A on transcript NM_000051.4 (MANE Select); 11 bases into the intron before coding-DNA position 8672, C replaced by A.
Molecular consequence: intron variant.
Genome position (GRCh38, 1-based): chr11:108,353,755, C>A. VCF-style: chr11-108353755-C-A. GRCh37 (hg19) VCF-style: chr11-108224482-C-A.
Other names: c.8672-11C>A (NM_001351834.2); c.640+32165G>T (NM_001330368.2); c.695-18463G>T (NM_001351110.2).
Identifiers: ClinVar variation 2024378 (VCV002024378.4), dbSNP rs2089488144, ClinGen allele CA2580082998.
Genomic context (GRCh38, chr11:108,353,755, plus strand): 5'-TTCACATTCTAACTGGAAAGAAAGTAAATTAGCTGTCAAACCTCCTAACTTCACTGTATT[C>A]TTTACTTTAGGTGTTGCTTTTGAACAGGGCAAAATCCTTCCTACTCCTGAGACAGTTCCT-3'